The following is an entry in ClinVar:

ClinVar aggregate classification (germline): Benign/Likely benign. Review status: criteria provided, multiple submitters, no conflicts (2 of 4 stars). 6 submissions from 6 submitters: Benign (5); Likely benign (1). Last evaluated 2024-11-13.

Conditions:
Ovarian dysgenesis 2 (ODG2). Also called: OVARIAN DYSGENESIS, HYPERGONADOTROPIC, X-LINKED; OVARIAN FAILURE, HYPERGONADOTROPIC, DUE TO OVARIAN DYSGENESIS. Identifiers: Orphanet 243, MedGen C1845294, MONDO:0010349, OMIM 300510.

Allele frequency attached by ClinVar (database versions not stated): gnomAD exomes 0.00069 and 0.00189; ExAC 0.00231; gnomAD 0.00690 and 0.00737; 1000 Genomes Project 0.00715; TOPMed 0.00767; 1000 Genomes Project 30x 0.00812; ESP Exome Variant Server 0.00966.
gnomAD v4.1: 1,578 of 1,208,992 alleles (0.13%); highest among the groups gnomAD compares: African/African-American, 2.4%; 11 homozygotes.

Submissions (6):

Blueprint Genetics
Classification: Likely benign. Last evaluated: 2024-11-13. Review status: criteria provided, single submitter. Criteria: ACMG Guidelines, 2015. Collection method: clinical testing. Allele origin: germline.

GeneDx
Classification: Benign. Last evaluated: 2019-02-19. Review status: criteria provided, single submitter. Criteria: GeneDx Variant Classification Process June 2021. Collection method: clinical testing. Allele origin: germline. Affected: yes.

Labcorp Genetics (formerly Invitae), Labcorp
Classification: Benign. Last evaluated: 2018-12-26. Review status: criteria provided, single submitter. Criteria: Invitae Variant Classification Sherloc (09022015). Collection method: clinical testing. Allele origin: germline.

Illumina Laboratory Services, Illumina
Classification: Benign for Ovarian dysgenesis 2. Last evaluated: 2018-01-12. Review status: criteria provided, single submitter. Criteria: ICSL Variant Classification Criteria 13 December 2019. Collection method: clinical testing. Allele origin: germline.
Comment: This variant was observed in the ICSL laboratory as part of a predisposition screen in an ostensibly healthy population. It had not been previously curated by ICSL or reported in the Human Gene Mutation Database (HGMD: prior to June 1st, 2018), and was therefore a candidate for classification through an automated scoring system. Utilizing variant allele frequency, disease prevalence and penetrance estimates, and inheritance mode, an automated score was calculated to assess if this variant is too frequent to cause the disease. Based on the score and internal cut-off values, a variant classified as benign is not then subjected to further curation. The score for this variant resulted in a classification of benign for this disease.

Breakthrough Genomics
Classification: Benign. Review status: criteria provided, single submitter. Criteria: ACMG Guidelines, 2015. Collection method: not provided. Allele origin: germline. Inheritance: X-linked inheritance. Affected: yes.

PreventionGenetics, part of Exact Sciences
Classification: Benign. Review status: criteria provided, single submitter. Criteria: ACMG Guidelines, 2015. Collection method: clinical testing. Allele origin: germline.

NM_005448.2(BMP15):c.819A>C (p.Ser273=)

Gene: BMP15 (bone morphogenetic protein 15; plus strand). Cytogenetic location: Xp11.22.
Variant type: single nucleotide variant.
Coding change: c.819A>C on transcript NM_005448.2 (MANE Select); coding-DNA position 819, A replaced by C.
Protein change: p.Ser273=; no amino-acid change (serine 273 retained).
Molecular consequence: synonymous variant.
Genome position (GRCh38, 1-based): chrX:50,916,247, A>C. VCF-style: chrX-50916247-A-C. GRCh37 (hg19) VCF-style: chrX-50659247-A-C.
Identifiers: ClinVar variation 259776 (VCV000259776.13), dbSNP rs73488038, ClinGen allele CA10416609.